The following is an entry in ClinVar:

NM_001253697.2(ERBIN):c.4166G>C (p.Gly1389Ala)

Gene: ERBIN (erbb2 interacting protein; plus strand). Cytogenetic location: 5q12.3.
Variant type: single nucleotide variant.
Coding change: c.4166G>C on transcript NM_001253697.2 (MANE Select); coding-DNA position 4166, G replaced by C.
Protein change: p.Gly1389Ala; replaces glycine 1389 with alanine.
Molecular consequence: missense variant.
Genome position (GRCh38, 1-based): chr5:66,078,457, G>C. VCF-style: chr5-66078457-G-C. GRCh37 (hg19) VCF-style: chr5-65374285-G-C.
Other names: c.4187G>C, p.Gly1396Ala (NM_001253699.2); c.4031G>C, p.Gly1344Ala (NM_001253701.2); c.4043G>C, p.Gly1348Ala (NM_018695.4); c.3836G>C, p.Gly1279Ala (NM_001006600.3); c.3968G>C, p.Gly1323Ala (NM_001253698.2); short protein forms G1344A, G1396A, G1279A, G1323A, G1389A, G1348A.
Identifiers: ClinVar variation 2701671 (VCV002701671.3), dbSNP rs751827759, ClinGen allele CA359871822.

ClinVar aggregate classification (germline): Uncertain significance (1 of 4 stars; one submission).

Submission:

Labcorp Genetics (formerly Invitae), Labcorp
Classification: Uncertain significance. Last evaluated: 2023-12-09. Review status: criteria provided, single submitter. Criteria: Invitae Variant Classification Sherloc (09022015). Collection method: clinical testing. Allele origin: germline.
Comment: This sequence change replaces glycine, which is neutral and non-polar, with alanine, which is neutral and non-polar, at codon 1389 of the ERBIN protein (p.Gly1389Ala). This variant is not present in population databases (gnomAD no frequency). This variant has not been reported in the literature in individuals affected with ERBIN-related conditions. An algorithm developed to predict the effect of missense changes on protein structure and function (PolyPhen-2) suggests that this variant is likely to be tolerated. Algorithms developed to predict the effect of sequence changes on RNA splicing suggest that this variant may disrupt the consensus splice site. In summary, the available evidence is currently insufficient to determine the role of this variant in disease. Therefore, it has been classified as a Variant of Uncertain Significance.